The following is an entry in ClinVar:

NM_000387.6(SLC25A20):c.532C>G (p.Arg178Gly)

Gene: SLC25A20 (solute carrier family 25 member 20; minus strand). Cytogenetic location: 3p21.31.
Variant type: single nucleotide variant.
Coding change: c.532C>G on transcript NM_000387.6 (MANE Select); coding-DNA position 532, C replaced by G.
Protein change: p.Arg178Gly; replaces arginine 178 with glycine.
Molecular consequence: missense variant.
Genome position (GRCh38, 1-based): chr3:48,862,545, G>C on the plus strand (C>G on the coding strand, the complement: SLC25A20 is on the minus strand). VCF-style: chr3-48862545-G-C. GRCh37 (hg19) VCF-style: chr3-48899978-G-C.
Other names: short protein forms R178G.
Identifiers: ClinVar variation 1407848 (VCV001407848.8), dbSNP rs778220325, ClinGen allele CA352628139.

ClinVar aggregate classification (germline): Uncertain significance (1 of 4 stars; one submission).

Conditions:
Carnitine acylcarnitine translocase deficiency (CACTD). Identifiers: Orphanet 159, MedGen C0342791, MONDO:0008918, OMIM 212138.

Submission:

Labcorp Genetics (formerly Invitae), Labcorp
Classification: Uncertain significance for Carnitine acylcarnitine translocase deficiency. Last evaluated: 2021-04-02. Review status: criteria provided, single submitter. Criteria: Invitae Variant Classification Sherloc (09022015). Collection method: clinical testing. Allele origin: germline.
Comment: In summary, the available evidence is currently insufficient to determine the role of this variant in disease. Therefore, it has been classified as a Variant of Uncertain Significance. This variant disrupts the p.Arg178 amino acid residue in SLC25A20. Other variant(s) that disrupt this residue have been determined to be pathogenic (PMID: 12559850). This suggests that this residue is clinically significant, and that variants that disrupt this residue are likely to be disease-causing. Algorithms developed to predict the effect of missense changes on protein structure and function are either unavailable or do not agree on the potential impact of this missense change (SIFT: "Deleterious"; PolyPhen-2: "Probably Damaging"; Align-GVGD: "Class C0"). This variant has been observed in individual(s) with CACT deficiency (Invitae). This variant is not present in population databases (ExAC no frequency). This sequence change replaces arginine with glycine at codon 178 of the SLC25A20 protein (p.Arg178Gly). The arginine residue is highly conserved and there is a moderate physicochemical difference between arginine and glycine.

Literature cited by the submitters: PubMed 12559850.